The following is an entry in ClinVar:

NM_012082.4(ZFPM2):c.2935G>A (p.Asp979Asn)

Genes: ZFPM2 (zinc finger protein, FOG family member 2; plus strand), ZFPM2-AS1 (ZFPM2 antisense RNA 1; minus strand), LOC126860469 (BRD4-independent group 4 enhancer GRCh37_chr8:106814445-106815644; plus strand). Cytogenetic location: 8q23.1.
Variant type: single nucleotide variant.
Coding change: c.2935G>A on transcript NM_012082.4 (MANE Select); coding-DNA position 2935, G replaced by A.
Protein change: p.Asp979Asn; replaces aspartic acid 979 with asparagine.
Molecular consequence: missense variant.
Genome position (GRCh38, 1-based): chr8:105,803,017, G>A. VCF-style: chr8-105803017-G-A. GRCh37 (hg19) VCF-style: chr8-106815245-G-A.
Other names: c.2776G>A, p.Asp926Asn (NM_001362836.2); c.2539G>A, p.Asp847Asn (NM_001362837.2); short protein forms D847N, D979N, D926N.
Identifiers: ClinVar variation 944916 (VCV000944916.13), dbSNP rs201644250, ClinGen allele CA4839991.

ClinVar aggregate classification (germline): Uncertain significance. Review status: criteria provided, multiple submitters, no conflicts (2 of 4 stars). 2 submissions from 2 submitters: Uncertain significance (2). Last evaluated 2025-10-14.

Conditions:
Inborn genetic diseases. Identifiers: MedGen C0950123, MeSH D030342.
46,XY sex reversal 9 (SRXY9). Also called: 46,XY SEX REVERSAL, ZFPM2-RELATED. Identifiers: Orphanet 251510, MedGen C4015129, MONDO:0014480, OMIM 616067.

Allele frequency attached by ClinVar (database versions not stated): gnomAD 0.00003; ExAC 0.00007; ESP Exome Variant Server 0.00008; TOPMed 0.00008.
gnomAD v4.1: 176 of 1,612,800 alleles (0.011%); highest among the groups gnomAD compares: Non-Finnish European, 0.014%; no homozygotes.

Submissions (2):

Ambry Genetics
Classification: Uncertain significance for Inborn genetic diseases. Last evaluated: 2025-10-14. Review status: criteria provided, single submitter. Criteria: Ambry Variant Classification Scheme 2023. Collection method: clinical testing. Allele origin: germline.

Labcorp Genetics (formerly Invitae), Labcorp
Classification: Uncertain significance for 46,XY sex reversal 9. Last evaluated: 2021-07-22. Review status: criteria provided, single submitter. Criteria: Invitae Variant Classification Sherloc (09022015). Collection method: clinical testing. Allele origin: germline.
Comment: This sequence change replaces aspartic acid with asparagine at codon 979 of the ZFPM2 protein (p.Asp979Asn). The aspartic acid residue is moderately conserved and there is a small physicochemical difference between aspartic acid and asparagine. This variant is present in population databases (rs201644250, ExAC 0.02%). This variant has not been reported in the literature in individuals with ZFPM2-related conditions. Algorithms developed to predict the effect of missense changes on protein structure and function (SIFT, PolyPhen-2, Align-GVGD) all suggest that this variant is likely to be tolerated, but these predictions have not been confirmed by published functional studies and their clinical significance is uncertain. In summary, the available evidence is currently insufficient to determine the role of this variant in disease. Therefore, it has been classified as a Variant of Uncertain Significance.